The following is an entry in ClinVar:

ClinVar aggregate classification (germline): Benign. Review status: criteria provided, single submitter (1 of 4 stars). 2 submissions from 2 submitters: Benign (1). 1 of the submissions does not count toward it. Last evaluated 2021-05-04.

Conditions:
ITPR3-related disorder. Also called: ITPR3-related condition.

Allele frequency attached by ClinVar (database versions not stated): ESP Exome Variant Server 0.25965; TOPMed 0.26035; gnomAD 0.26526 and 0.27606; ExAC 0.32839; 1000 Genomes Project 30x 0.32995; 1000 Genomes Project 0.33546.
gnomAD v4.1: 513,981 of 1,613,780 alleles (32%); highest among the groups gnomAD compares: South Asian, 51%; 86,047 homozygotes.

Submissions (2):

GeneDx
Classification: Benign. Last evaluated: 2021-05-04. Review status: criteria provided, single submitter. Criteria: GeneDx Variant Classification Process June 2021. Collection method: clinical testing. Allele origin: germline. Affected: yes.

PreventionGenetics, part of Exact Sciences
Classification: Benign for ITPR3-related condition. Last evaluated: 2019-10-17. Review status: no assertion criteria provided. Collection method: clinical testing. Allele origin: germline. Not counted in ClinVar's aggregate classification.
Comment: This variant is classified as benign based on ACMG/AMP sequence variant interpretation guidelines (Richards et al. 2015 PMID: 25741868, with internal and published modifications).

NM_002224.4(ITPR3):c.2268C>T (p.Gly756=)

Gene: ITPR3 (inositol 1,4,5-trisphosphate receptor type 3; plus strand). Cytogenetic location: 6p21.31.
Variant type: single nucleotide variant.
Coding change: c.2268C>T on transcript NM_002224.4 (MANE Select); coding-DNA position 2268, C replaced by T.
Protein change: p.Gly756=; no amino-acid change (glycine 756 retained).
Molecular consequence: synonymous variant.
Genome position (GRCh38, 1-based): chr6:33,670,403, C>T. VCF-style: chr6-33670403-C-T. GRCh37 (hg19) VCF-style: chr6-33638180-C-T.
Identifiers: ClinVar variation 1293559 (VCV001293559.4), dbSNP rs2229634, ClinGen allele CA3760527.